The following is an entry in ClinVar:

ClinVar aggregate classification (germline): Uncertain significance. Review status: criteria provided, multiple submitters, no conflicts (2 of 4 stars). 3 submissions from 3 submitters: Uncertain significance (3). Last evaluated 2026-04-09.

Conditions:
Inborn genetic diseases. Identifiers: MedGen C0950123, MeSH D030342.

gnomAD v4.1: 23 of 1,613,850 alleles (0.0014%); highest among the groups gnomAD compares: South Asian, 0.0022%; no homozygotes.

Submissions (3):

Women's Health and Genetics/Laboratory Corporation of America, LabCorp
Classification: Uncertain significance. Last evaluated: 2026-04-09. Review status: criteria provided, single submitter. Criteria: LabCorp Variant Classification Summary - May 2015. Collection method: clinical testing. Allele origin: germline.
Comment: Variant summary: TANC2 c.4555C>G (p.Pro1519Ala) results in a non-conservative amino acid change in the encoded protein sequence. Algorithms developed to predict the effect of missense changes on protein structure and function are either unavailable or do not agree on the potential impact of this missense change. The variant allele was found at a frequency of 8e-06 in 248814 control chromosomes. The available data on variant occurrences in the general population are insufficient to allow any conclusion about variant significance. To our knowledge, no occurrence of c.4555C>G in individuals affected with TANC2-related conditions and no experimental evidence demonstrating its impact on protein function have been reported. ClinVar contains an entry for this variant (Variation ID: 3026459). Based on the evidence outlined above, the variant was classified as uncertain significance.

Ambry Genetics
Classification: Uncertain significance for Inborn genetic diseases. Last evaluated: 2025-08-23. Review status: criteria provided, single submitter. Criteria: Ambry Variant Classification Scheme 2023. Collection method: clinical testing. Allele origin: germline.

CeGaT Center for Human Genetics Tuebingen
Classification: Uncertain significance. Last evaluated: 2024-01-01. Review status: criteria provided, single submitter. Criteria: CeGaT Center For Human Genetics Tuebingen Variant Classification Criteria Version 2. Collection method: clinical testing. Allele origin: germline. Affected: yes. Observed: 1 variant allele.

NM_001394998.1(TANC2):c.4807C>G (p.Pro1603Ala)

Gene: TANC2 (tetratricopeptide repeat, ankyrin repeat and coiled-coil containing 2; plus strand). Cytogenetic location: 17q23.3.
Variant type: single nucleotide variant.
Coding change: c.4807C>G on transcript NM_001394998.1 (MANE Select); coding-DNA position 4807, C replaced by G.
Protein change: p.Pro1603Ala; replaces proline 1603 with alanine.
Molecular consequence: missense variant.
Genome position (GRCh38, 1-based): chr17:63,420,537, C>G. VCF-style: chr17-63420537-C-G. GRCh37 (hg19) VCF-style: chr17-61497898-C-G.
Other names: c.4555C>G (NM_025185.3); c.4585C>G, p.Pro1529Ala (NM_001411076.1); c.4555C>G, p.Pro1519Ala (NM_025185.4); short protein forms P1519A, P1529A, P1603A.
Identifiers: ClinVar variation 3026459 (VCV003026459.24), dbSNP rs776432017, ClinGen allele CA8698320.
Genomic context (GRCh38, chr17:63,420,537, plus strand): 5'-AGGCCTAGCCCACCACACACTTCCCCGGCTCATCAGGGAGGATCTTACCGTTTCAGCCCC[C>G]CTCCTGTGGGAGGACAGGGCAAAGAATACCCAAGCCCTCCCCCTTCCCCTCTCCGGAGAG-3'
Protein context (NP_001381927.1, residues 1593-1613): HQGGSYRFSP[Pro1603Ala]PVGGQGKEYP